The following is an entry in ClinVar:

ClinVar aggregate classification (germline): Uncertain significance (1 of 4 stars; one submission).

Conditions:
Idiopathic generalized epilepsy. Also called: Generalised epilepsy; EIG. Identifiers: MedGen C0270850, MONDO:0005579, OMIM 600669.
Hyperaldosteronism, familial, type IV (HALD4). Also called: FH IV; ALDOSTERONISM, PRIMARY, AND HYPERTENSION. Identifiers: Orphanet 642671, MedGen C4310756, MONDO:0014875, OMIM 617027.

gnomAD v4.1: 7 of 1,548,478 alleles (0.00045%); highest among the groups gnomAD compares: Middle Eastern, 0.033%; no homozygotes.

Submission:

Labcorp Genetics (formerly Invitae), Labcorp
Classification: Uncertain significance for Idiopathic generalized epilepsy; Hyperaldosteronism, familial, type IV. Last evaluated: 2025-03-16. Review status: criteria provided, single submitter. Criteria: Invitae Variant Classification Sherloc (09022015). Collection method: clinical testing. Allele origin: germline.
Comment: This sequence change replaces glycine, which is neutral and non-polar, with arginine, which is basic and polar, at codon 563 of the CACNA1H protein (p.Gly563Arg). This variant is not present in population databases (gnomAD no frequency). This missense change has been observed in individual(s) with idiopathic trigeminal Neuralgia (PMID: 33083721). Invitae Evidence Modeling of protein sequence and biophysical properties (such as structural, functional, and spatial information, amino acid conservation, physicochemical variation, residue mobility, and thermodynamic stability) indicates that this missense variant is not expected to disrupt CACNA1H protein function with a negative predictive value of 80%. Experimental studies have shown that this missense change affects CACNA1H function (PMID: 35467587). In summary, the available evidence is currently insufficient to determine the role of this variant in disease. Therefore, it has been classified as a Variant of Uncertain Significance.

Literature cited by the submitters: PubMed 33083721; PubMed 35467587.

NM_021098.3(CACNA1H):c.1687G>C (p.Gly563Arg)

Gene: CACNA1H (calcium voltage-gated channel subunit alpha1 H; plus strand). Cytogenetic location: 16p13.3.
Variant type: single nucleotide variant.
Coding change: c.1687G>C on transcript NM_021098.3 (MANE Select); coding-DNA position 1687, G replaced by C.
Protein change: p.Gly563Arg; replaces glycine 563 with arginine.
Molecular consequence: missense variant.
Genome position (GRCh38, 1-based): chr16:1,202,137, G>C. VCF-style: chr16-1202137-G-C. GRCh37 (hg19) VCF-style: chr16-1252137-G-C.
Other names: c.1687G>C, p.Gly563Arg (NM_001005407.2); short protein forms G563R.
Identifiers: ClinVar variation 4795003 (VCV004795003.1).